The following is an entry in ClinVar:

NM_003482.4(KMT2D):c.838A>G (p.Arg280Gly)

Gene: KMT2D (lysine methyltransferase 2D; minus strand). Cytogenetic location: 12q13.12.
Variant type: single nucleotide variant.
Coding change: c.838A>G on transcript NM_003482.4 (MANE Select); coding-DNA position 838, A replaced by G.
Protein change: p.Arg280Gly; replaces arginine 280 with glycine.
Molecular consequence: missense variant.
Genome position (GRCh38, 1-based): chr12:49,053,477, T>C on the plus strand (A>G on the coding strand, the complement: KMT2D is on the minus strand). VCF-style: chr12-49053477-T-C. GRCh37 (hg19) VCF-style: chr12-49447260-T-C.
Other names: short protein forms R280G.
Identifiers: ClinVar variation 547400 (VCV000547400.6), dbSNP rs1555198244, ClinGen allele CA384680516.

ClinVar aggregate classification (germline): Conflicting classifications of pathogenicity. Review status: criteria provided, conflicting classifications (1 of 4 stars). 2 submissions from 2 submitters: Likely pathogenic (1); Uncertain significance (1). Last evaluated 2022-10-25.

Conditions:
Kabuki syndrome. Also called: NIIKAWA-KUROKI SYNDROME; Kabuki make-up syndrome. Identifiers: Orphanet 2322, MedGen C0796004, MONDO:0016512.
Kabuki syndrome 1 (KABUK1). Also called: KMT2D-Related Kabuki Syndrome. Identifiers: Orphanet 2322, MedGen CN030661, MONDO:0007843, OMIM 147920.

Submissions (2):

Labcorp Genetics (formerly Invitae), Labcorp
Classification: Uncertain significance for Kabuki syndrome. Last evaluated: 2022-10-25. Review status: criteria provided, single submitter. Criteria: Invitae Variant Classification Sherloc (09022015). Collection method: clinical testing. Allele origin: germline.
Comment: This sequence change replaces arginine, which is basic and polar, with glycine, which is neutral and non-polar, at codon 280 of the KMT2D protein (p.Arg280Gly). This variant is not present in population databases (gnomAD no frequency). In summary, the available evidence is currently insufficient to determine the role of this variant in disease. Therefore, it has been classified as a Variant of Uncertain Significance. Algorithms developed to predict the effect of sequence changes on RNA splicing suggest that this variant may disrupt the consensus splice site. Algorithms developed to predict the effect of missense changes on protein structure and function are either unavailable or do not agree on the potential impact of this missense change (SIFT: "Deleterious"; PolyPhen-2: "Not Available"; Align-GVGD: "Class C0"). ClinVar contains an entry for this variant (Variation ID: 547400). This variant has not been reported in the literature in individuals affected with KMT2D-related conditions.

Center for Human Genetics, Inc
Classification: Likely pathogenic for Kabuki syndrome 1. Last evaluated: 2016-11-01. Review status: criteria provided, single submitter. Criteria: ACMG Guidelines, 2015. Collection method: clinical testing. Allele origin: germline. Affected: yes.